The following is an entry in ClinVar:

ClinVar aggregate classification (germline): Uncertain significance. Review status: criteria provided, single submitter (1 of 4 stars). 4 submissions from 4 submitters: Uncertain significance (1). 3 of the submissions do not count toward it. Last evaluated 2022-08-16.

Conditions:
Abetalipoproteinaemia (ABL). Also called: Abetalipoproteinemia; Abetalipoproteinemia neuropathy; Apolipoprotein B deficiency; Congenital betalipoprotein deficiency syndrome; MTP DEFICIENCY. Identifiers: Orphanet 14, MedGen C0000744, MONDO:0008692, OMIM 200100, HP:0008181.

Allele frequency attached by ClinVar (database versions not stated): TOPMed 0.00003.
gnomAD v4.1: 90 of 1,613,866 alleles (0.0056%); highest among the groups gnomAD compares: Middle Eastern, 0.016%; no homozygotes.

Submissions (4):

Labcorp Genetics (formerly Invitae), Labcorp
Classification: Uncertain significance. Last evaluated: 2022-08-16. Review status: criteria provided, single submitter. Criteria: Invitae Variant Classification Sherloc (09022015). Collection method: clinical testing. Allele origin: germline.
Comment: This sequence change replaces threonine, which is neutral and polar, with methionine, which is neutral and non-polar, at codon 285 of the MTTP protein (p.Thr285Met). This variant is present in population databases (rs566965111, gnomAD 0.01%). This variant has not been reported in the literature in individuals affected with MTTP-related conditions. ClinVar contains an entry for this variant (Variation ID: 1022080). Algorithms developed to predict the effect of missense changes on protein structure and function (SIFT, PolyPhen-2, Align-GVGD) all suggest that this variant is likely to be tolerated. In summary, the available evidence is currently insufficient to determine the role of this variant in disease. Therefore, it has been classified as a Variant of Uncertain Significance.

Natera, Inc.
Classification: Uncertain significance for Abetalipoproteinemia. Last evaluated: 2020-01-10. Review status: no assertion criteria provided. Collection method: clinical testing. Allele origin: germline. Not counted in ClinVar's aggregate classification.

Clinical Genetics DNA and cytogenetics Diagnostics Lab, Erasmus MC, Erasmus Medical Center
Classification: Likely benign. Review status: no assertion criteria provided. Collection method: clinical testing. Allele origin: germline. Affected: yes. Study: VKGL Data-share Consensus. Not counted in ClinVar's aggregate classification.

Clinical Genetics, Academic Medical Center
Classification: Likely benign. Review status: no assertion criteria provided. Collection method: clinical testing. Allele origin: germline. Affected: yes. Study: VKGL Data-share Consensus. Not counted in ClinVar's aggregate classification.

NM_001386140.1(MTTP):c.854C>T (p.Thr285Met)

Gene: MTTP (microsomal triglyceride transfer protein; plus strand). Cytogenetic location: 4q23.
Variant type: single nucleotide variant.
Coding change: c.854C>T on transcript NM_001386140.1 (MANE Select); coding-DNA position 854, C replaced by T.
Protein change: p.Thr285Met; replaces threonine 285 with methionine.
Molecular consequence: missense variant.
Genome position (GRCh38, 1-based): chr4:99,594,828, C>T. VCF-style: chr4-99594828-C-T. GRCh37 (hg19) VCF-style: chr4-100515985-C-T.
Other names: c.854C>T, p.Thr285Met (NM_000253.4); c.605C>T, p.Thr202Met (NM_001300785.2); short protein forms T202M, T285M.
Identifiers: ClinVar variation 1022080 (VCV001022080.6), dbSNP rs566965111, ClinGen allele CA3021959.